The following is an entry in ClinVar:

ClinVar aggregate classification (germline): Conflicting classifications of pathogenicity. Review status: criteria provided, conflicting classifications (1 of 4 stars). 3 submissions from 3 submitters: Likely pathogenic (1); Uncertain significance (2). Last evaluated 2026-06-29.

Conditions:
Galloway-Mowat syndrome 6. Identifiers: MedGen C5193043, MONDO:0032691, OMIM 618347.

Submissions (3):

Laboratory of Medical Genetics, University of Torino
Classification: Uncertain significance for Galloway-Mowat syndrome 6. Last evaluated: 2026-06-29. Review status: criteria provided, single submitter. Criteria: ACMG Guidelines, 2015. Collection method: clinical testing. Allele origin: biparental. Affected: yes.

Clinical Genetics Laboratory, Skane University Hospital Lund
Classification: Likely pathogenic for Galloway-Mowat syndrome 6. Last evaluated: 2022-05-27. Review status: criteria provided, single submitter. Criteria: ACMG Guidelines, 2015. Collection method: clinical testing. Allele origin: germline. Inheritance: Autosomal recessive inheritance. Affected: yes.
Comment: ACMG criteria used: PM2 (0 homozygous in gnomAD v4.1.0), PP1_Strong (based on 2 additional homozygous sick siblings and 3 healthy siblings who are either wt or heterozygous), PP3 (REVEL score: 0.934)

Blueprint Genetics
Classification: Uncertain significance. Last evaluated: 2021-09-20. Review status: criteria provided, single submitter. Criteria: ACMG Guidelines, 2015. Collection method: clinical testing. Allele origin: germline.

NM_018669.6(WDR4):c.428G>A (p.Gly143Glu)

Gene: WDR4 (WDR4 tRNA N7-guanosine methyltransferase non-catalytic subunit; minus strand). Cytogenetic location: 21q22.3.
Variant type: single nucleotide variant.
Coding change: c.428G>A on transcript NM_018669.6 (MANE Select); coding-DNA position 428, G replaced by A.
Protein change: p.Gly143Glu; replaces glycine 143 with glutamic acid.
Molecular consequence: missense variant. On other transcripts: 5 prime UTR variant (3), non-coding transcript variant (1).
Genome position (GRCh38, 1-based): chr21:42,863,465, C>T on the plus strand (G>A on the coding strand, the complement: WDR4 is on the minus strand). VCF-style: chr21-42863465-C-T. GRCh37 (hg19) VCF-style: chr21-44283575-C-T.
Other names: c.428G>A, p.Gly143Glu (NM_001260474.2, NM_033661.5); c.-11G>A (NM_001260475.2, NM_001260476.2, NM_001260477.2); short protein forms G143E.
Identifiers: ClinVar variation 3337743 (VCV003337743.4).